The following is an entry in ClinVar:

ClinVar aggregate classification (germline): Uncertain significance (1 of 4 stars; one submission).

Conditions:
Cardiovascular phenotype. Identifiers: MedGen CN230736.

Submission:

Ambry Genetics
Classification: Uncertain significance for Cardiovascular phenotype. Last evaluated: 2025-05-15. Review status: criteria provided, single submitter. Criteria: Ambry Variant Classification Scheme 2023. Collection method: clinical testing. Allele origin: germline.
Comment: The p.S267R variant (also known as c.801C>A), located in coding exon 6 of the RAF1 gene, results from a C to A substitution at nucleotide position 801. The serine at codon 267 is replaced by arginine, an amino acid with dissimilar properties. This amino acid position is conserved. In addition, the in silico prediction for this alteration is inconclusive. Based on the available evidence, the clinical significance of this variant remains unclear.

NM_002880.4(RAF1):c.801C>A (p.Ser267Arg)

Gene: RAF1 (Raf-1 proto-oncogene, serine/threonine kinase; minus strand). Cytogenetic location: 3p25.2.
Variant type: single nucleotide variant.
Coding change: c.801C>A on transcript NM_002880.4 (MANE Select); coding-DNA position 801, C replaced by A.
Protein change: p.Ser267Arg; replaces serine 267 with arginine.
Molecular consequence: missense variant. On other transcripts: non-coding transcript variant (3).
Genome position (GRCh38, 1-based): chr3:12,604,169, G>T on the plus strand (C>A on the coding strand, the complement: RAF1 is on the minus strand). VCF-style: chr3-12604169-G-T. GRCh37 (hg19) VCF-style: chr3-12645668-G-T.
Other names: c.801C>A, p.Ser267Arg (NM_001354689.3, NM_001354690.3); c.558C>A, p.Ser186Arg (NM_001354691.3, NM_001354692.3, NM_001354694.3); c.702C>A, p.Ser234Arg (NM_001354693.3); c.459C>A, p.Ser153Arg (NM_001354695.3); short protein forms S186R, S234R, S153R, S267R.
Identifiers: ClinVar variation 3942499 (VCV003942499.1).